The following is an entry in ClinVar:

ClinVar aggregate classification (germline): Conflicting classifications of pathogenicity. Review status: criteria provided, conflicting classifications (1 of 4 stars). 2 submissions from 2 submitters: Likely pathogenic (1); Uncertain significance (1). Last evaluated 2026-01-20.

Submissions (2):

GeneDx
Classification: Likely pathogenic. Last evaluated: 2026-01-20. Review status: criteria provided, single submitter. Criteria: GeneDx Variant Classification Process June 2021. Collection method: clinical testing. Allele origin: germline.
Comment: Not observed at significant frequency in large population cohorts (gnomAD); In silico analysis supports that this missense variant has a deleterious effect on protein structure/function; Has not been previously published as pathogenic or benign to our knowledge; This variant is associated with the following publications: (PMID: 27108798)

Revvity Omics, Revvity
Classification: Uncertain significance. Last evaluated: 2022-10-28. Review status: criteria provided, single submitter. Criteria: ACMG Guidelines, 2015. Collection method: clinical testing. Allele origin: germline.

NM_001378452.1(ITPR1):c.7660G>T (p.Gly2554Trp)

Genes: ITPR1 (inositol 1,4,5-trisphosphate receptor type 1; plus strand), LOC126806590 (MED14-independent group 3 enhancer GRCh37_chr3:4855759-4856958; plus strand). Cytogenetic location: 3p26.1.
Variant type: single nucleotide variant.
Coding change: c.7660G>T on transcript NM_001378452.1 (MANE Select); coding-DNA position 7660, G replaced by T.
Protein change: p.Gly2554Trp; replaces glycine 2554 with tryptophan.
Molecular consequence: missense variant.
Genome position (GRCh38, 1-based): chr3:4,814,521, G>T. VCF-style: chr3-4814521-G-T. GRCh37 (hg19) VCF-style: chr3-4856205-G-T.
Other names: c.7471G>T (NM_002222.5); c.7516G>T, p.Gly2506Trp (NM_001099952.4); c.7615G>T, p.Gly2539Trp (NM_001168272.2); c.7471G>T, p.Gly2491Trp (NM_002222.7); short protein forms G2491W, G2506W, G2539W, G2554W.
Identifiers: ClinVar variation 2432936 (VCV002432936.5), dbSNP rs752281590, ClinGen allele CA351649087.